The following is an entry in ClinVar:

NM_000069.3(CACNA1S):c.437A>G (p.Gln146Arg)

Gene: CACNA1S (calcium voltage-gated channel subunit alpha1 S; minus strand). Cytogenetic location: 1q32.1.
Variant type: single nucleotide variant.
Coding change: c.437A>G on transcript NM_000069.3 (MANE Select); coding-DNA position 437, A replaced by G.
Protein change: p.Gln146Arg; replaces glutamine 146 with arginine.
Molecular consequence: missense variant.
Genome position (GRCh38, 1-based): chr1:201,092,076, T>C on the plus strand (A>G on the coding strand, the complement: CACNA1S is on the minus strand). VCF-style: chr1-201092076-T-C. GRCh37 (hg19) VCF-style: chr1-201061204-T-C.
Other names: c.437A>G (NM_000069.2); short protein forms Q146R.
Identifiers: ClinVar variation 2196604 (VCV002196604.4), dbSNP rs147372797, ClinGen allele CA083321.

ClinVar aggregate classification (germline): Uncertain significance. Review status: criteria provided, multiple submitters, no conflicts (2 of 4 stars). 2 submissions from 2 submitters: Uncertain significance (2). Last evaluated 2025-06-17.

Conditions:
Malignant hyperthermia, susceptibility to, 5 (MHS5). Also called: CACNA1S-Related Malignant Hyperthermia Susceptibility. Identifiers: Orphanet 423, MedGen C1866077, MONDO:0011163, OMIM 601887.
Hypokalemic periodic paralysis, type 1. Also called: HypoPP; Hypokalemic Periodic Paralysis Type 1 (AD). Identifiers: Orphanet 681, MedGen C3714580, MONDO:0042979, OMIM 170400.

Allele frequency attached by ClinVar (database versions not stated): ExAC 0.00001; gnomAD exomes 0.00001; ESP Exome Variant Server 0.00008.
gnomAD v4.1: 3 of 1,614,104 alleles (0.00019%); highest among the groups gnomAD compares: Non-Finnish European, 0.00025%; no homozygotes.

Submissions (2):

GeneDx
Classification: Uncertain significance. Last evaluated: 2025-06-17. Review status: criteria provided, single submitter. Criteria: GeneDx Variant Classification Process June 2021. Collection method: clinical testing. Allele origin: germline. Affected: yes.
Comment: Not observed at significant frequency in large population cohorts (gnomAD); In silico analysis suggests that this missense variant does not alter protein structure/function; Has not been previously published as pathogenic or benign to our knowledge

Labcorp Genetics (formerly Invitae), Labcorp
Classification: Uncertain significance for Hypokalemic periodic paralysis, type 1; Malignant hyperthermia, susceptibility to, 5. Last evaluated: 2024-02-13. Review status: criteria provided, single submitter. Criteria: Invitae Variant Classification Sherloc (09022015). Collection method: clinical testing. Allele origin: germline.
Comment: This sequence change replaces glutamine, which is neutral and polar, with arginine, which is basic and polar, at codon 146 of the CACNA1S protein (p.Gln146Arg). This variant is present in population databases (rs147372797, gnomAD 0.0009%). This variant has not been reported in the literature in individuals affected with CACNA1S-related conditions. ClinVar contains an entry for this variant (Variation ID: 2196604). Advanced modeling of protein sequence and biophysical properties (such as structural, functional, and spatial information, amino acid conservation, physicochemical variation, residue mobility, and thermodynamic stability) performed at Invitae indicates that this missense variant is not expected to disrupt CACNA1S protein function with a negative predictive value of 95%. In summary, the available evidence is currently insufficient to determine the role of this variant in disease. Therefore, it has been classified as a Variant of Uncertain Significance.